The following is an entry in ClinVar:

NM_001040108.2(MLH3):c.2581A>G (p.Arg861Gly)

Gene: MLH3 (mutL homolog 3; minus strand). Cytogenetic location: 14q24.3.
Variant type: single nucleotide variant.
Coding change: c.2581A>G on transcript NM_001040108.2 (MANE Select); coding-DNA position 2581, A replaced by G.
Protein change: p.Arg861Gly; replaces arginine 861 with glycine.
Molecular consequence: missense variant.
Genome position (GRCh38, 1-based): chr14:75,047,075, T>C on the plus strand (A>G on the coding strand, the complement: MLH3 is on the minus strand). VCF-style: chr14-75047075-T-C. GRCh37 (hg19) VCF-style: chr14-75513778-T-C.
Other names: c.2581A>G, p.Arg861Gly (NM_014381.3); short protein forms R861G.
Identifiers: ClinVar variation 4055474 (VCV004055474.1).

ClinVar aggregate classification (germline): Uncertain significance (1 of 4 stars; one submission).

Submission:

Ambry Genetics
Classification: Uncertain significance. Last evaluated: 2025-04-06. Review status: criteria provided, single submitter. Criteria: Ambry Variant Classification Scheme 2023. Collection method: clinical testing. Allele origin: germline.
Comment: The p.R861G variant (also known as c.2581A>G), located in coding exon 1 of the MLH3 gene, results from an A to G substitution at nucleotide position 2581. The arginine at codon 861 is replaced by glycine, an amino acid with dissimilar properties. This amino acid position is conserved. In addition, this alteration is predicted to be tolerated by in silico analysis. Based on the available evidence, the clinical significance of this variant remains unclear.